The following is an entry in ClinVar:

NM_000405.5(GM2A):c.*1695C>A

Gene: GM2A (ganglioside GM2 activator; plus strand). Cytogenetic location: 5q33.1.
Variant type: single nucleotide variant.
Coding change: c.*1695C>A on transcript NM_000405.5 (MANE Select); 1695 bases downstream of the stop codon, C replaced by A.
Molecular consequence: 3 prime UTR variant.
Genome position (GRCh38, 1-based): chr5:151,269,146, C>A. VCF-style: chr5-151269146-C-A. GRCh37 (hg19) VCF-style: chr5-150648707-C-A.
Other names: c.*1506C>A (NM_001167607.3).
Identifiers: ClinVar variation 352285 (VCV000352285.5), dbSNP rs115956086, ClinGen allele CA10623817.

ClinVar aggregate classification (germline): Benign (1 of 4 stars; one submission).

Conditions:
Tay-Sachs disease, variant AB. Also called: GM2 Activator Deficiency; Gm2-gangliosidosis, ab variant. Identifiers: Orphanet 309246, MedGen C0268275, MONDO:0010099, OMIM 272750.

Allele frequency attached by ClinVar (database versions not stated): gnomAD 0.01693 and 0.01829; TOPMed 0.01858; 1000 Genomes Project 0.02017; 1000 Genomes Project 30x 0.02077.
gnomAD v4.1: 3,784 of 985,422 alleles (0.38%); highest among the groups gnomAD compares: African/African-American, 5.9%; 99 homozygotes.

Submission:

Illumina Laboratory Services, Illumina
Classification: Benign for Tay-Sachs disease, variant AB. Last evaluated: 2018-01-13. Review status: criteria provided, single submitter. Criteria: ICSL Variant Classification Criteria 13 December 2019. Collection method: clinical testing. Allele origin: germline.
Comment: This variant was observed in the ICSL laboratory as part of a predisposition screen in an ostensibly healthy population. It had not been previously curated by ICSL or reported in the Human Gene Mutation Database (HGMD: prior to June 1st, 2018), and was therefore a candidate for classification through an automated scoring system. Utilizing variant allele frequency, disease prevalence and penetrance estimates, and inheritance mode, an automated score was calculated to assess if this variant is too frequent to cause the disease. Based on the score and internal cut-off values, a variant classified as benign is not then subjected to further curation. The score for this variant resulted in a classification of benign for this disease.